The following is an entry in ClinVar:

NM_001347721.2(DYRK1A):c.1798C>T (p.His600Tyr)

Gene: DYRK1A (dual specificity tyrosine phosphorylation regulated kinase 1A; plus strand). Cytogenetic location: 21q22.13.
Variant type: single nucleotide variant.
Coding change: c.1798C>T on transcript NM_001347721.2 (MANE Select); coding-DNA position 1798, C replaced by T.
Protein change: p.His600Tyr; replaces histidine 600 with tyrosine.
Molecular consequence: missense variant. On other transcripts: 3 prime UTR variant (2).
Genome position (GRCh38, 1-based): chr21:37,512,064, C>T. VCF-style: chr21-37512064-C-T. GRCh37 (hg19) VCF-style: chr21-38884367-C-T.
Other names: c.1798C>T, p.His600Tyr (NM_001347722.2, NM_130436.2); c.1711C>T, p.His571Tyr (NM_001347723.2); c.1825C>T, p.His609Tyr (NM_001396.5); c.*201C>T (NM_101395.2); c.*110C>T (NM_130438.2); short protein forms H571Y, H600Y, H609Y.
Identifiers: ClinVar variation 1186569 (VCV001186569.2), dbSNP rs2148662371, ClinGen allele CA409939604.
Genomic context (GRCh38, chr21:37,512,064, plus strand): 5'-TTTCATGTAGCCCCTCAACAGAATGCATTGCATCATCACCATGGTAACAGTTCCCATCAC[C>T]ATCACCACCACCACCACCATCACCACCACCATGGACAACAAGCCTTGGGTAACCGGACCA-3'
Protein context (NP_001334650.1, residues 590-610): HHHHGNSSHH[His600Tyr]HHHHHHHHHH

ClinVar aggregate classification (germline): Likely benign (1 of 4 stars; one submission).

gnomAD v4.1: 1 of 1,614,006 alleles (0.000062%); highest among the groups gnomAD compares: Non-Finnish European, 0.000085%; no homozygotes.

Submission:

GeneDx
Classification: Likely benign. Last evaluated: 2020-08-11. Review status: criteria provided, single submitter. Criteria: GeneDx Variant Classification Process June 2021. Collection method: clinical testing. Allele origin: germline. Affected: yes.
Comment: In silico analysis, which includes protein predictors and evolutionary conservation, supports that this variant does not alter protein structure/function; Not observed in large population cohorts (Lek et al., 2016); Has not been previously published as pathogenic or benign to our knowledge